The following is an entry in ClinVar:

ClinVar aggregate classification (germline): Benign/Likely benign. Review status: criteria provided, multiple submitters, no conflicts (2 of 4 stars). 9 submissions from 8 submitters: Benign (4); Likely benign (3). 2 of the submissions do not count toward it. Last evaluated 2026-02-03.

Conditions:
PHGDH-related disorder. Also called: PHGDH-related condition.
Neu-Laxova syndrome 1 (NLS1). Identifiers: Orphanet 2671, Orphanet 583607, MedGen C4551478, MONDO:0009736, OMIM 256520. Disease mechanism: loss of function.
PHGDH deficiency. Identifiers: Orphanet 79351, MedGen C1866174, MONDO:0011152, OMIM 601815.

Allele frequency attached by ClinVar (database versions not stated): gnomAD exomes 0.00061 and 0.00154; ExAC 0.00182; TOPMed 0.00661; 1000 Genomes Project 0.00699; 1000 Genomes Project 30x 0.00718; ESP Exome Variant Server 0.00753.
gnomAD v4.1: 1,829 of 1,613,846 alleles (0.11%); highest among the groups gnomAD compares: African/African-American, 2.2%; 23 homozygotes.

Submissions (9):

Labcorp Genetics (formerly Invitae), Labcorp
Classification: Benign for PHGDH deficiency. Last evaluated: 2026-02-03. Review status: criteria provided, single submitter. Criteria: Invitae Variant Classification Sherloc (09022015). Collection method: clinical testing. Allele origin: germline.

Genome-Nilou Lab
Classification: Likely benign for Neu-Laxova syndrome 1. Last evaluated: 2023-04-11. Review status: criteria provided, single submitter. Criteria: ACMG Guidelines, 2015. Collection method: clinical testing. Allele origin: germline. Affected: no.

Genome-Nilou Lab
Classification: Likely benign for PHGDH deficiency. Last evaluated: 2023-04-11. Review status: criteria provided, single submitter. Criteria: ACMG Guidelines, 2015. Collection method: clinical testing. Allele origin: germline. Affected: no.

GeneDx
Classification: Likely benign. Last evaluated: 2021-04-08. Review status: criteria provided, single submitter. Criteria: GeneDx Variant Classification Process June 2021. Collection method: clinical testing. Allele origin: germline. Affected: yes.

Mayo Clinic Laboratories, Mayo Clinic
Classification: Benign. Last evaluated: 2018-12-10. Review status: criteria provided, single submitter. Criteria: ACMG Guidelines, 2015. Collection method: clinical testing. Allele origin: germline. Observed: 6 variant alleles.

Athena Diagnostics
Classification: Benign. Last evaluated: 2018-05-15. Review status: criteria provided, single submitter. Criteria: Athena Diagnostics Criteria. Collection method: clinical testing. Allele origin: germline.

Illumina Laboratory Services, Illumina
Classification: Benign for PHGDH deficiency. Last evaluated: 2018-01-12. Review status: criteria provided, single submitter. Criteria: ICSL Variant Classification Criteria 13 December 2019. Collection method: clinical testing. Allele origin: germline.
Comment: This variant was observed in the ICSL laboratory as part of a predisposition screen in an ostensibly healthy population. It had not been previously curated by ICSL or reported in the Human Gene Mutation Database (HGMD: prior to June 1st, 2018), and was therefore a candidate for classification through an automated scoring system. Utilizing variant allele frequency, disease prevalence and penetrance estimates, and inheritance mode, an automated score was calculated to assess if this variant is too frequent to cause the disease. Based on the score and internal cut-off values, a variant classified as benign is not then subjected to further curation. The score for this variant resulted in a classification of benign for this disease.

PreventionGenetics, part of Exact Sciences
Classification: Benign for PHGDH-related condition. Last evaluated: 2021-06-30. Review status: no assertion criteria provided. Collection method: clinical testing. Allele origin: germline. Not counted in ClinVar's aggregate classification.
Comment: This variant is classified as benign based on ACMG/AMP sequence variant interpretation guidelines (Richards et al. 2015 PMID: 25741868, with internal and published modifications).

Natera, Inc.
Classification: Benign for Phosphoglycerate dehydrogenase deficiency. Last evaluated: 2020-09-16. Review status: no assertion criteria provided. Collection method: clinical testing. Allele origin: germline. Not counted in ClinVar's aggregate classification.

NM_006623.4(PHGDH):c.624T>C (p.Pro208=)

Gene: PHGDH (phosphoglycerate dehydrogenase; plus strand). Cytogenetic location: 1p12.
Variant type: single nucleotide variant.
Coding change: c.624T>C on transcript NM_006623.4 (MANE Select); coding-DNA position 624, T replaced by C.
Protein change: p.Pro208=; no amino-acid change (proline 208 retained).
Molecular consequence: synonymous variant.
Genome position (GRCh38, 1-based): chr1:119,734,747, T>C. VCF-style: chr1-119734747-T-C. GRCh37 (hg19) VCF-style: chr1-120277370-T-C.
Other names: p.Pro208=.
Identifiers: ClinVar variation 292313 (VCV000292313.22), dbSNP rs77401816, ClinGen allele CA1037156.